The following is an entry in ClinVar:

NM_000709.4(BCKDHA):c.860G>A (p.Arg287Gln)

Gene: BCKDHA (branched chain keto acid dehydrogenase E1 subunit alpha; plus strand). Cytogenetic location: 19q13.2.
Variant type: single nucleotide variant.
Coding change: c.860G>A on transcript NM_000709.4 (MANE Select); coding-DNA position 860, G replaced by A.
Protein change: p.Arg287Gln; replaces arginine 287 with glutamine.
Molecular consequence: missense variant.
Genome position (GRCh38, 1-based): chr19:41,422,635, G>A. VCF-style: chr19-41422635-G-A. GRCh37 (hg19) VCF-style: chr19-41928540-G-A.
Other names: c.857G>A, p.Arg286Gln (NM_001164783.2); short protein forms R287Q, R286Q.
Identifiers: ClinVar variation 1513404 (VCV001513404.8), dbSNP rs757457825, ClinGen allele CA9461291.

ClinVar aggregate classification (germline): Likely pathogenic (1 of 4 stars; one submission).

Conditions:
Maple syrup urine disease (MSUD). Identifiers: Orphanet 511, MedGen C0024776, MeSH D008375, MONDO:0009563. Disease mechanism: loss of function.

Allele frequency attached by ClinVar (database versions not stated): gnomAD 0.00001; gnomAD exomes 0.00001 and 0.00002; TOPMed 0.00001; ExAC 0.00002.

Submission:

Labcorp Genetics (formerly Invitae), Labcorp
Classification: Likely pathogenic for Maple syrup urine disease. Last evaluated: 2025-03-10. Review status: criteria provided, single submitter. Criteria: Invitae Variant Classification Sherloc (09022015). Collection method: clinical testing. Allele origin: germline.
Comment: This sequence change replaces arginine, which is basic and polar, with glutamine, which is neutral and polar, at codon 287 of the BCKDHA protein (p.Arg287Gln). This variant is present in population databases (rs757457825, gnomAD 0.01%). This variant has not been reported in the literature in individuals affected with BCKDHA-related conditions. ClinVar contains an entry for this variant (Variation ID: 1513404). Invitae Evidence Modeling of protein sequence and biophysical properties (such as structural, functional, and spatial information, amino acid conservation, physicochemical variation, residue mobility, and thermodynamic stability) indicates that this missense variant is expected to disrupt BCKDHA protein function with a positive predictive value of 95%. This variant disrupts the p.Arg287 amino acid residue in BCKDHA. Other variant(s) that disrupt this residue have been determined to be pathogenic (PMID: 32193832). This suggests that this residue is clinically significant, and that variants that disrupt this residue are likely to be disease-causing. In summary, the currently available evidence indicates that the variant is pathogenic, but additional data are needed to prove that conclusively. Therefore, this variant has been classified as Likely Pathogenic.

Literature cited by the submitters: PubMed 32193832.